The following is an entry in ClinVar:

ClinVar aggregate classification (germline): Likely pathogenic (1 of 4 stars; one submission).

Conditions:
RET-related disorder. Also called: RET-related condition; RET-related disease; RET-related disorders.

Submission:

PreventionGenetics, part of Exact Sciences
Classification: Likely pathogenic for RET-related condition. Last evaluated: 2026-06-23. Review status: criteria provided, single submitter. Criteria: ACMG Guidelines, 2015. Collection method: clinical testing. Allele origin: germline.
Comment: The RET c.1649-1G>C variant is predicted to disrupt the AG splice acceptor site and interfere with normal splicing. To our knowledge, this variant has not been reported in the literature or in a large population database (gnomAD), indicating this variant is rare. Variants that disrupt the consensus splice acceptor site in RET are expected to be pathogenic. This variant is interpreted as likely pathogenic.

NM_020975.6(RET):c.1649-1G>C

Gene: RET (ret proto-oncogene; plus strand). Cytogenetic location: 10q11.21.
Variant type: single nucleotide variant.
Coding change: c.1649-1G>C on transcript NM_020975.6 (MANE Select); the canonical splice acceptor site of the intron before coding-DNA position 1649, G replaced by C.
Molecular consequence: splice acceptor variant.
Genome position (GRCh38, 1-based): chr10:43,112,852, G>C. VCF-style: chr10-43112852-G-C. GRCh37 (hg19) VCF-style: chr10-43608300-G-C.
Other names: c.1649-1G>C (NM_020630.7, NM_001406743.1, NM_001406744.1 and 4 more transcripts); c.1253-1G>C (NM_001406772.1, NM_001406769.1); c.1211-1G>C (NM_001406773.1, NM_001406771.1); c.752-1G>C (NM_001406782.1, NM_001406780.1, NM_001406779.1 and 3 more transcripts); c.1520-1G>C (NM_001406764.1, NM_001406762.1, NM_001406761.1 and 1 more transcripts); c.1124-1G>C (NM_001406774.1); c.623-1G>C (NM_001406786.1, NM_001406783.1); c.1361-1G>C (NM_001406770.1, NM_001406766.1, NM_001406767.1); and 5 more.
Identifiers: ClinVar variation 4995347 (VCV004995347.1).